The following is an entry in ClinVar:

NM_000051.4(ATM):c.5892G>C (p.Lys1964Asn)

Genes: ATM (ATM serine/threonine kinase; plus strand), C11orf65 (chromosome 11 open reading frame 65; minus strand). Cytogenetic location: 11q22.3.
Variant type: single nucleotide variant.
Coding change: c.5892G>C on transcript NM_000051.4 (MANE Select); coding-DNA position 5892, G replaced by C.
Protein change: p.Lys1964Asn; replaces lysine 1964 with asparagine.
Molecular consequence: missense variant. On other transcripts: intron variant (2).
Genome position (GRCh38, 1-based): chr11:108,310,289, G>C. VCF-style: chr11-108310289-G-C. GRCh37 (hg19) VCF-style: chr11-108181016-G-C.
Other names: c.5892G>C, p.Lys1964Asn (NM_001351834.2); c.641-1218C>G (NM_001330368.2); c.*39-1218C>G (NM_001351110.2); short protein forms K1964N.
Identifiers: ClinVar variation 186146 (VCV000186146.24), dbSNP rs786202728, ClinGen allele CA193985.

ClinVar aggregate classification (germline): Uncertain significance. Review status: criteria provided, multiple submitters, no conflicts (2 of 4 stars). 8 submissions from 8 submitters: Uncertain significance (7). 1 of the submissions does not count toward it. Last evaluated 2026-01-28.

Conditions:
Hereditary cancer-predisposing syndrome. Also called: Hereditary Cancer Syndrome; Tumor predisposition; Neoplastic Syndromes, Hereditary; Hereditary neoplastic syndrome. Identifiers: Orphanet 140162, MedGen C0027672, MeSH D009386, MONDO:0015356.
Familial cancer of breast. Also called: hereditary breast carcinoma; BREAST CANCER, FAMILIAL; Hereditary breast cancer. Identifiers: Orphanet 227535, MedGen C0346153, MONDO:0016419, OMIM 114480. Disease mechanism: loss of function.
Ataxia-telangiectasia syndrome (AT). Also called: ATAXIA-TELANGIECTASIA, COMPLEMENTATION GROUP A; ATAXIA-TELANGIECTASIA, FRESNO VARIANT; Ataxia-telangiectasia; Ataxia-telangiectasia, complementation group E; Cerebello-oculocutaneous telangiectasia; Immunodeficiency with ataxia telangiectasia. Identifiers: Orphanet 100, MedGen C0004135, MONDO:0008840, OMIM 208900.

Allele frequency attached by ClinVar (database versions not stated): gnomAD exomes below 0.00001 and 0.00001; TOPMed 0.00001; gnomAD 0.00001.
gnomAD v4.1: 18 of 1,613,278 alleles (0.0011%); highest among the groups gnomAD compares: Middle Eastern, 0.016%; no homozygotes.

Submissions (8):

Labcorp Genetics (formerly Invitae), Labcorp
Classification: Uncertain significance for Ataxia-telangiectasia syndrome. Last evaluated: 2026-01-28. Review status: criteria provided, single submitter. Criteria: Invitae Variant Classification Sherloc (09022015). Collection method: clinical testing. Allele origin: germline.
Comment: This sequence change replaces lysine, which is basic and polar, with asparagine, which is neutral and polar, at codon 1964 of the ATM protein (p.Lys1964Asn). This variant is present in population databases (rs786202728, gnomAD 0.0009%). This variant has not been reported in the literature in individuals affected with ATM-related conditions. ClinVar contains an entry for this variant (Variation ID: 186146). Invitae Evidence Modeling of protein sequence and biophysical properties (such as structural, functional, and spatial information, amino acid conservation, physicochemical variation, residue mobility, and thermodynamic stability) indicates that this missense variant is not expected to disrupt ATM protein function with a negative predictive value of 95%. In summary, the available evidence is currently insufficient to determine the role of this variant in disease. Therefore, it has been classified as a Variant of Uncertain Significance.

Color Diagnostics, LLC DBA Color Health
Classification: Uncertain significance for Hereditary cancer-predisposing syndrome. Last evaluated: 2024-08-06. Review status: criteria provided, single submitter. Criteria: ACMG Guidelines, 2015. Collection method: clinical testing. Allele origin: germline.
Comment: This missense variant replaces lysine with asparagine at codon 1964 of the ATM protein. Computational prediction suggests that this variant may not impact protein structure and function. To our knowledge, functional studies have not been reported for this variant. This variant has been reported in an individual affected with breast cancer (PMID: 35402282). This variant has been identified in 1/250968 chromosomes in the general population by the Genome Aggregation Database (gnomAD). The available evidence is insufficient to determine the role of this variant in disease conclusively. Therefore, this variant is classified as a Variant of Uncertain Significance.

GeneDx
Classification: Uncertain significance. Last evaluated: 2024-05-01. Review status: criteria provided, single submitter. Criteria: GeneDx Variant Classification Process June 2021. Collection method: clinical testing. Allele origin: germline.
Comment: Not observed at significant frequency in large population cohorts (gnomAD); In silico analysis indicates that this missense variant does not alter protein structure/function; Observed in an individual with breast cancer (PMID: 35402282); This variant is associated with the following publications: (PMID: 35402282, 23532176)

Baylor Genetics
Classification: Uncertain significance for Familial cancer of breast. Last evaluated: 2024-02-29. Review status: criteria provided, single submitter. Criteria: ACMG Guidelines, 2015. Collection method: clinical testing. Allele origin: unknown.

Blueprint Genetics
Classification: Uncertain significance. Last evaluated: 2023-11-21. Review status: criteria provided, single submitter. Criteria: ACMG Guidelines, 2015. Collection method: clinical testing. Allele origin: germline.

Athena Diagnostics
Classification: Uncertain significance. Last evaluated: 2022-03-03. Review status: criteria provided, single submitter. Criteria: Athena Diagnostics Criteria. Collection method: clinical testing. Allele origin: unknown.

Ambry Genetics
Classification: Uncertain significance for Hereditary cancer-predisposing syndrome. Last evaluated: 2022-01-27. Review status: criteria provided, single submitter. Criteria: Ambry Variant Classification Scheme 2023. Collection method: clinical testing. Allele origin: germline.

Natera, Inc.
Classification: Uncertain significance for Ataxia-telangiectasia. Last evaluated: 2020-09-16. Review status: no assertion criteria provided. Collection method: clinical testing. Allele origin: germline. Not counted in ClinVar's aggregate classification.

Literature cited by the submitters: PubMed 35402282 (cited by Color Diagnostics, LLC DBA Color Health).